The following is an entry in ClinVar:

ClinVar aggregate classification (germline): Likely pathogenic (1 of 4 stars; one submission).

Submission:

Labcorp Genetics (formerly Invitae), Labcorp
Classification: Likely pathogenic. Last evaluated: 2022-09-15. Review status: criteria provided, single submitter. Criteria: Invitae Variant Classification Sherloc (09022015). Collection method: clinical testing. Allele origin: germline.
Comment: This sequence change affects a splice site in intron 8 of the DNM1L gene. It is expected to disrupt RNA splicing. Variants that disrupt the donor or acceptor splice site typically lead to a loss of protein function (PMID: 16199547), and loss-of-function variants in DNM1L are known to be pathogenic (PMID: 26825290, 27328748). This variant is not present in population databases (gnomAD no frequency). This variant has not been reported in the literature in individuals affected with DNM1L-related conditions. Algorithms developed to predict the effect of sequence changes on RNA splicing suggest that this variant may disrupt the consensus splice site. In summary, the currently available evidence indicates that the variant is pathogenic, but additional data are needed to prove that conclusively. Therefore, this variant has been classified as Likely Pathogenic.

Literature cited by the submitters: PubMed 16199547; PubMed 26825290; PubMed 27328748.

NM_012062.5(DNM1L):c.873-9_873-1del

Gene: DNM1L (dynamin 1 like; plus strand). Cytogenetic location: 12p11.21.
Variant type: Deletion.
Coding change: c.873-9_873-1del on transcript NM_012062.5 (MANE Select); 9 bases into the intron before coding-DNA position 873 through the canonical splice acceptor site of the intron before coding-DNA position 873, 9 bases deleted (CTTTTTTAG; older notation c.873-9_873-1delCTTTTTTAG).
Molecular consequence: splice acceptor variant.
Genome position (GRCh38, 1-based): chr12:32,722,418-32,722,426, CTTTTTTAG deleted. VCF-style (leftmost placement, unchanged base first): chr12-32722417-CCTTTTTTAG-C. GRCh37 (hg19) VCF-style: chr12-32875351-CCTTTTTTAG-C.
Other names: c.912-9_912-1del (NM_001278464.2, NM_001278465.2, NM_001330380.2); c.264-9_264-1del (NM_001278466.2); c.873-9_873-1del (NM_001278463.2, NM_012063.4, NM_005690.5).
Identifiers: ClinVar variation 2030617 (VCV002030617.4), dbSNP rs2541045553, ClinGen allele CA2580085364.